The following is an entry in ClinVar:

ClinVar aggregate classification (germline): Conflicting classifications of pathogenicity. Review status: criteria provided, conflicting classifications (1 of 4 stars). 4 submissions from 4 submitters: Uncertain significance (3); Likely benign (1). Last evaluated 2025-01-27.

Conditions:
Cardiovascular phenotype. Identifiers: MedGen CN230736.
Episodic pain syndrome, familial, 2 (FEPS2). Identifiers: Orphanet 306577, MedGen C3809893, MONDO:0014246, OMIM 615551.
Brugada syndrome. Also called: Sudden Unexplained Death Syndrome; Sudden Unexplained Nocturnal Death Syndrome (SUNDS); Sudden unexpected nocturnal death syndrome; Sudden unexplained nocturnal death syndrome. Identifiers: Orphanet 130, MedGen C1142166, MONDO:0015263.

Allele frequency attached by ClinVar (database versions not stated): gnomAD exomes 0.00001; ExAC 0.00002; TOPMed 0.00002; gnomAD 0.00003.
gnomAD v4.1: 14 of 1,613,488 alleles (0.00087%); highest among the groups gnomAD compares: East Asian, 0.0022%; no homozygotes.

Submissions (4):

Labcorp Genetics (formerly Invitae), Labcorp
Classification: Uncertain significance for Brugada syndrome. Last evaluated: 2025-01-27. Review status: criteria provided, single submitter. Criteria: Invitae Variant Classification Sherloc (09022015). Collection method: clinical testing. Allele origin: germline.
Comment: This sequence change replaces arginine, which is basic and polar, with histidine, which is basic and polar, at codon 485 of the SCN10A protein (p.Arg485His). This variant is present in population databases (rs746690639, gnomAD 0.006%). This variant has not been reported in the literature in individuals affected with SCN10A-related conditions. ClinVar contains an entry for this variant (Variation ID: 463233). Invitae Evidence Modeling of protein sequence and biophysical properties (such as structural, functional, and spatial information, amino acid conservation, physicochemical variation, residue mobility, and thermodynamic stability) indicates that this missense variant is not expected to disrupt SCN10A protein function with a negative predictive value of 80%. In summary, the available evidence is currently insufficient to determine the role of this variant in disease. Therefore, it has been classified as a Variant of Uncertain Significance.

Blueprint Genetics
Classification: Likely benign. Last evaluated: 2024-11-14. Review status: criteria provided, single submitter. Criteria: ACMG Guidelines, 2015. Collection method: clinical testing. Allele origin: germline.

Ambry Genetics
Classification: Uncertain significance for Cardiovascular phenotype. Last evaluated: 2023-09-14. Review status: criteria provided, single submitter. Criteria: Ambry Variant Classification Scheme 2023. Collection method: clinical testing. Allele origin: germline.
Comment: The p.R485H variant (also known as c.1454G>A), located in coding exon 10 of the SCN10A gene, results from a G to A substitution at nucleotide position 1454. The arginine at codon 485 is replaced by histidine, an amino acid with highly similar properties. This amino acid position is not well conserved in available vertebrate species. In addition, this alteration is predicted to be tolerated by in silico analysis. Since supporting evidence is limited at this time, the clinical significance of this alteration remains unclear.

Fulgent Genetics
Classification: Uncertain significance for Episodic pain syndrome, familial, 2. Last evaluated: 2018-10-31. Review status: criteria provided, single submitter. Criteria: ACMG Guidelines, 2015. Collection method: clinical testing. Allele origin: unknown.

NM_006514.4(SCN10A):c.1454G>A (p.Arg485His)

Gene: SCN10A (sodium voltage-gated channel alpha subunit 10; minus strand). Cytogenetic location: 3p22.2.
Variant type: single nucleotide variant.
Coding change: c.1454G>A on transcript NM_006514.4 (MANE Select); coding-DNA position 1454, G replaced by A.
Protein change: p.Arg485His; replaces arginine 485 with histidine.
Molecular consequence: missense variant.
Genome position (GRCh38, 1-based): chr3:38,755,795, C>T on the plus strand (G>A on the coding strand, the complement: SCN10A is on the minus strand). VCF-style: chr3-38755795-C-T. GRCh37 (hg19) VCF-style: chr3-38797286-C-T.
Other names: c.1454G>A, p.Arg485His (NM_001293306.2, NM_001293307.2); c.1454G>A (NM_006514.2); short protein forms R485H.
Identifiers: ClinVar variation 463233 (VCV000463233.10), dbSNP rs746690639, ClinGen allele CA2320864.